The following is an entry in ClinVar:

ClinVar aggregate classification (germline): Uncertain significance (1 of 4 stars; one submission).

Submission:

Labcorp Genetics (formerly Invitae), Labcorp
Classification: Uncertain significance. Last evaluated: 2024-08-09. Review status: criteria provided, single submitter. Criteria: Invitae Variant Classification Sherloc (09022015). Collection method: clinical testing. Allele origin: germline.
Comment: This sequence change falls in intron 10 of the NFKB1 gene. It does not directly change the encoded amino acid sequence of the NFKB1 protein. This variant is not present in population databases (gnomAD no frequency). This variant has not been reported in the literature in individuals affected with NFKB1-related conditions. Algorithms developed to predict the effect of sequence changes on RNA splicing suggest that this variant may disrupt the consensus splice site. In summary, the available evidence is currently insufficient to determine the role of this variant in disease. Therefore, it has been classified as a Variant of Uncertain Significance.

NM_003998.4(NFKB1):c.928-19_928-10del

Gene: NFKB1 (nuclear factor kappa B subunit 1; plus strand). Cytogenetic location: 4q24.
Variant type: Deletion.
Coding change: c.928-19_928-10del on transcript NM_003998.4 (MANE Select); 19 bases into the intron before coding-DNA position 928 through 10 bases into the intron before coding-DNA position 928, 10 bases deleted (GGTTCTTCGT; older notation c.928-19_928-10delGGTTCTTCGT).
Molecular consequence: intron variant.
Genome position (GRCh38, 1-based): chr4:102,584,663-102,584,672, GGTTCTTCGT deleted; deleting any 10 consecutive bases within chr4:102,584,661-102,584,672 gives the same sequence; the c. name uses the placement nearest the transcript's 3' end. VCF-style (leftmost placement, unchanged base first): chr4-102584660-TGTGGTTCTTC-T. GRCh37 (hg19) VCF-style: chr4-103505817-TGTGGTTCTTC-T.
Other names: c.928-19_928-10del (NM_001382626.1, NM_001382625.1); c.925-19_925-10del (NM_001382627.1, NM_001165412.2, NM_001319226.2); c.886-19_886-10del (NM_001382628.1).
Identifiers: ClinVar variation 3661858 (VCV003661858.2).